The following is an entry in ClinVar:

ClinVar aggregate classification (germline): Uncertain significance. Review status: criteria provided, multiple submitters, no conflicts (2 of 4 stars). 2 submissions from 2 submitters: Uncertain significance (2). Last evaluated 2022-12-02.

Allele frequency attached by ClinVar (database versions not stated): gnomAD 0.00001; gnomAD exomes 0.00004; TOPMed 0.00005; ExAC 0.00009; ESP Exome Variant Server 0.00009.
gnomAD v4.1: 41 of 1,207,861 alleles (0.0034%); highest among the groups gnomAD compares: Non-Finnish European, 0.0045%; no homozygotes.

Submissions (2):

Ambry Genetics
Classification: Uncertain significance. Last evaluated: 2022-12-02. Review status: criteria provided, single submitter. Criteria: Ambry Variant Classification Scheme 2023. Collection method: clinical testing. Allele origin: germline.

Labcorp Genetics (formerly Invitae), Labcorp
Classification: Uncertain significance. Last evaluated: 2022-09-07. Review status: criteria provided, single submitter. Criteria: Invitae Variant Classification Sherloc (09022015). Collection method: clinical testing. Allele origin: germline.
Comment: This sequence change replaces proline, which is neutral and non-polar, with arginine, which is basic and polar, at codon 346 of the COL4A6 protein (p.Pro346Arg). This variant is present in population databases (rs371131202, gnomAD 0.01%). This variant has not been reported in the literature in individuals affected with COL4A6-related conditions. Algorithms developed to predict the effect of missense changes on protein structure and function are either unavailable or do not agree on the potential impact of this missense change (SIFT: "Deleterious"; PolyPhen-2: "Not Available"; Align-GVGD: "Class C65"). In summary, the available evidence is currently insufficient to determine the role of this variant in disease. Therefore, it has been classified as a Variant of Uncertain Significance.

NM_033641.4(COL4A6):c.1034C>G (p.Pro345Arg)

Gene: COL4A6 (collagen type IV alpha 6 chain; minus strand). Cytogenetic location: Xq22.3.
Variant type: single nucleotide variant.
Coding change: c.1034C>G on transcript NM_033641.4 (MANE Select); coding-DNA position 1034, C replaced by G.
Protein change: p.Pro345Arg; replaces proline 345 with arginine.
Molecular consequence: missense variant.
Genome position (GRCh38, 1-based): chrX:108,193,666, G>C on the plus strand (C>G on the coding strand, the complement: COL4A6 is on the minus strand). VCF-style: chrX-108193666-G-C. GRCh37 (hg19) VCF-style: chrX-107436896-G-C.
Other names: c.1037C>G (NM_001847.2); c.1034C>G, p.Pro345Arg (NM_001287758.2, NM_001287759.2, NM_001287760.2); c.1037C>G, p.Pro346Arg (NM_001847.4); short protein forms P345R, P346R.
Identifiers: ClinVar variation 2163851 (VCV002163851.5), dbSNP rs371131202, ClinGen allele CA10487920.